The following is an entry in ClinVar:

ClinVar aggregate classification (germline): Pathogenic/Likely pathogenic. Review status: criteria provided, multiple submitters, no conflicts (2 of 4 stars). 2 submissions from 2 submitters: Pathogenic (1); Likely pathogenic (1). Last evaluated 2024-10-29.

Conditions:
Ichthyosis linearis circumflexa. Identifiers: MedGen C0265962, MONDO:0043106, HP:0025810.
Netherton syndrome (NETH). Also called: ERYTHRODERMA, ICHTHYOSIFORM, WITH HYPOTRICHOSIS AND HYPER-IgE; COMEL-NETHERTON SYNDROME; NETHERTON DISEASE. Identifiers: Orphanet 634, MedGen C5574950, MONDO:0009735, OMIM 256500.

Allele frequency attached by ClinVar (database versions not stated): TOPMed 0.00002; 1000 Genomes Project 30x 0.00016; gnomAD 0.00003.
gnomAD v4.1: 19 of 1,613,790 alleles (0.0012%); highest among the groups gnomAD compares: Middle Eastern, 0.033%; no homozygotes.

Submissions (2):

Labcorp Genetics (formerly Invitae), Labcorp
Classification: Pathogenic for Ichthyosis linearis circumflexa. Last evaluated: 2024-10-29. Review status: criteria provided, single submitter. Criteria: Invitae Variant Classification Sherloc (09022015). Collection method: clinical testing. Allele origin: germline.
Comment: This sequence change creates a premature translational stop signal (p.Arg997*) in the SPINK5 gene. It is expected to result in an absent or disrupted protein product. Loss-of-function variants in SPINK5 are known to be pathogenic (PMID: 11511292, 11841556). This variant is present in population databases (rs192473445, gnomAD 0.002%). This variant has not been reported in the literature in individuals affected with SPINK5-related conditions. ClinVar contains an entry for this variant (Variation ID: 1422122). For these reasons, this variant has been classified as Pathogenic.

Fulgent Genetics
Classification: Likely pathogenic for Netherton syndrome. Last evaluated: 2024-02-20. Review status: criteria provided, single submitter. Criteria: ACMG Guidelines, 2015. Collection method: clinical testing. Allele origin: germline.

Literature cited by the submitters: PubMed 11511292 (cited by Labcorp Genetics (formerly Invitae), Labcorp); PubMed 11841556 (cited by Labcorp Genetics (formerly Invitae), Labcorp).

NM_006846.4(SPINK5):c.2989C>T (p.Arg997Ter)

Gene: SPINK5 (serine peptidase inhibitor Kazal type 5; plus strand). Cytogenetic location: 5q32.
Variant type: single nucleotide variant.
Coding change: c.2989C>T on transcript NM_006846.4 (MANE Select); coding-DNA position 2989, C replaced by T.
Protein change: p.Arg997Ter; replaces arginine 997 with a stop codon.
Molecular consequence: nonsense.
Genome position (GRCh38, 1-based): chr5:148,131,283, C>T. VCF-style: chr5-148131283-C-T. GRCh37 (hg19) VCF-style: chr5-147510846-C-T.
Other names: c.3079C>T, p.Arg1027Ter (NM_001127698.2); short protein forms R1027*, R997*.
Identifiers: ClinVar variation 1422122 (VCV001422122.8), dbSNP rs192473445, ClinGen allele CA3496215.